The following is an entry in ClinVar:

ClinVar aggregate classification (germline): Uncertain significance (1 of 4 stars; one submission).

Submission:

GeneDx
Classification: Uncertain significance. Last evaluated: 2025-03-26. Review status: criteria provided, single submitter. Criteria: GeneDx Variant Classification Process June 2021. Collection method: clinical testing. Allele origin: germline. Affected: yes.
Comment: Not observed at significant frequency in large population cohorts (gnomAD); In silico analysis supports that this missense variant has a deleterious effect on protein structure/function; Has not been previously published as pathogenic or benign to our knowledge

NM_012062.5(DNM1L):c.788G>C (p.Arg263Pro)

Gene: DNM1L (dynamin 1 like; plus strand). Cytogenetic location: 12p11.21.
Variant type: single nucleotide variant.
Coding change: c.788G>C on transcript NM_012062.5 (MANE Select); coding-DNA position 788, G replaced by C.
Protein change: p.Arg263Pro; replaces arginine 263 with proline.
Molecular consequence: missense variant.
Genome position (GRCh38, 1-based): chr12:32,720,711, G>C. VCF-style: chr12-32720711-G-C. GRCh37 (hg19) VCF-style: chr12-32873645-G-C.
Other names: c.827G>C, p.Arg276Pro (NM_001278465.2, NM_001330380.2, NM_001278464.2); c.179G>C, p.Arg60Pro (NM_001278466.2); c.788G>C, p.Arg263Pro (NM_005690.5, NM_012063.4, NM_001278463.2); short protein forms R60P, R263P, R276P.
Identifiers: ClinVar variation 4087954 (VCV004087954.1).
Genomic context (GRCh38, chr12:32,720,711, plus strand): 5'-TTTTCAACCTCAGGAGCCAGCTAGATATTAACAACAAGAAGAGTGTAACTGATTCAATCC[G>C]TGATGAGTATGCTTTTCTTCAAAAGAAATATCCATCTCTGGCCAATAGAAATGGAACAAA-3'
Protein context (NP_036192.2, residues 253-273): NNKKSVTDSI[Arg263Pro]DEYAFLQKKY